The following is an entry in ClinVar:

ClinVar aggregate classification (germline): Uncertain significance (1 of 4 stars; one submission).

Allele frequency attached by ClinVar (database versions not stated): gnomAD 0.00001; gnomAD exomes 0.00001; TOPMed 0.00001; ExAC 0.00002; 1000 Genomes Project 30x 0.00016; 1000 Genomes Project 0.00020.
gnomAD v4.1: 7 of 1,612,132 alleles (0.00043%); highest among the groups gnomAD compares: East Asian, 0.011%; no homozygotes.

Submission:

Labcorp Genetics (formerly Invitae), Labcorp
Classification: Uncertain significance. Last evaluated: 2024-05-15. Review status: criteria provided, single submitter. Criteria: Invitae Variant Classification Sherloc (09022015). Collection method: clinical testing. Allele origin: germline.
Comment: This sequence change replaces serine, which is neutral and polar, with arginine, which is basic and polar, at codon 196 of the RORB protein (p.Ser196Arg). This variant is present in population databases (rs567618724, gnomAD 0.01%). This variant has not been reported in the literature in individuals affected with RORB-related conditions. An algorithm developed to predict the effect of missense changes on protein structure and function (PolyPhen-2) suggests that this variant is likely to be tolerated. In summary, the available evidence is currently insufficient to determine the role of this variant in disease. Therefore, it has been classified as a Variant of Uncertain Significance.

NM_006914.4(RORB):c.588C>A (p.Ser196Arg)

Gene: RORB (RAR related orphan receptor B; plus strand). Cytogenetic location: 9q21.13.
Variant type: single nucleotide variant.
Coding change: c.588C>A on transcript NM_006914.4 (MANE Select); coding-DNA position 588, C replaced by A.
Protein change: p.Ser196Arg; replaces serine 196 with arginine.
Molecular consequence: missense variant.
Genome position (GRCh38, 1-based): chr9:74,642,766, C>A. VCF-style: chr9-74642766-C-A. GRCh37 (hg19) VCF-style: chr9-77257682-C-A.
Other names: c.621C>A, p.Ser207Arg (NM_001365023.1); short protein forms S196R, S207R.
Identifiers: ClinVar variation 2986934 (VCV002986934.3), dbSNP rs567618724, ClinGen allele CA5083397.